The following is an entry in ClinVar:

NM_032776.3(JMJD1C):c.6844T>G (p.Leu2282Val)

Gene: JMJD1C (jumonji domain containing 1C; minus strand). Cytogenetic location: 10q21.3.
Variant type: single nucleotide variant.
Coding change: c.6844T>G on transcript NM_032776.3 (MANE Select); coding-DNA position 6844, T replaced by G.
Protein change: p.Leu2282Val; replaces leucine 2282 with valine.
Molecular consequence: missense variant. On other transcripts: non-coding transcript variant (1).
Genome position (GRCh38, 1-based): chr10:63,184,725, A>C on the plus strand (T>G on the coding strand, the complement: JMJD1C is on the minus strand). VCF-style: chr10-63184725-A-C. GRCh37 (hg19) VCF-style: chr10-64944485-A-C.
Other names: c.6298T>G, p.Leu2100Val (NM_001282948.2, NM_001318154.2); c.5980T>G, p.Leu1994Val (NM_001318153.2); c.6730T>G, p.Leu2244Val (NM_001322252.2); c.6187T>G, p.Leu2063Val (NM_001322254.2, NM_001322258.2); short protein forms L1994V, L2282V, L2100V, L2063V, L2244V.
Identifiers: ClinVar variation 2120226 (VCV002120226.4), dbSNP rs1349303677, ClinGen allele CA377020945.
Genomic context (GRCh38, chr10:63,184,725, plus strand): 5'-GAGAGGCCAAATTGAATTTTCCTTCTGGATTACAATATTCTGGCAATGGCAGACTTTTTA[A>C]AAGATCTTCGTATCTGAAGAAAAACAACATTGCCTTCTTATAAATAAAGATTTGCATTGC-3'
Protein context (NP_116165.1, residues 2272-2292): TMMPARYEDL[Leu2282Val]KSLPLPEYCN

ClinVar aggregate classification (germline): Uncertain significance (1 of 4 stars; one submission).

Conditions:
Early Myoclonic Encephalopathy. Identifiers: MedGen C0270855.

Submission:

Labcorp Genetics (formerly Invitae), Labcorp
Classification: Uncertain significance for Early Myoclonic Encephalopathy. Last evaluated: 2022-04-01. Review status: criteria provided, single submitter. Criteria: Invitae Variant Classification Sherloc (09022015). Collection method: clinical testing. Allele origin: germline.
Comment: In summary, the available evidence is currently insufficient to determine the role of this variant in disease. Therefore, it has been classified as a Variant of Uncertain Significance. Algorithms developed to predict the effect of missense changes on protein structure and function are either unavailable or do not agree on the potential impact of this missense change (SIFT: "Deleterious"; PolyPhen-2: "Benign"; Align-GVGD: "Class C0"). This variant has not been reported in the literature in individuals affected with JMJD1C-related conditions. This variant is not present in population databases (gnomAD no frequency). This sequence change replaces leucine, which is neutral and non-polar, with valine, which is neutral and non-polar, at codon 2282 of the JMJD1C protein (p.Leu2282Val).